The following is an entry in ClinVar:

ClinVar aggregate classification (germline): Uncertain significance. Review status: criteria provided, multiple submitters, no conflicts (2 of 4 stars). 2 submissions from 2 submitters: Uncertain significance (2). Last evaluated 2024-10-24.

Conditions:
Hypertrophic cardiomyopathy. Also called: HYPERTROPHIC MYOCARDIOPATHY. Identifiers: Orphanet 217569, MedGen C0007194, MeSH D002312, MONDO:0005045, HP:0001639.
Cardiovascular phenotype. Identifiers: MedGen CN230736.

Allele frequency attached by ClinVar (database versions not stated): gnomAD exomes below 0.00001 and 0.00001; ExAC 0.00001; gnomAD 0.00002; TOPMed 0.00005.
gnomAD v4.1: 10 of 1,612,288 alleles (0.00062%); highest among the groups gnomAD compares: African/African-American, 0.0093%; no homozygotes.

Submissions (2):

Labcorp Genetics (formerly Invitae), Labcorp
Classification: Uncertain significance for Hypertrophic cardiomyopathy. Last evaluated: 2024-10-24. Review status: criteria provided, single submitter. Criteria: Invitae Variant Classification Sherloc (09022015). Collection method: clinical testing. Allele origin: germline.
Comment: This sequence change replaces threonine, which is neutral and polar, with isoleucine, which is neutral and non-polar, at codon 1656 of the MYOM1 protein (p.Thr1656Ile). This variant is present in population databases (rs749267113, gnomAD 0.01%). This variant has not been reported in the literature in individuals affected with MYOM1-related conditions. ClinVar contains an entry for this variant (Variation ID: 520254). Invitae Evidence Modeling of protein sequence and biophysical properties (such as structural, functional, and spatial information, amino acid conservation, physicochemical variation, residue mobility, and thermodynamic stability) indicates that this missense variant is not expected to disrupt MYOM1 protein function with a negative predictive value of 80%. In summary, the available evidence is currently insufficient to determine the role of this variant in disease. Therefore, it has been classified as a Variant of Uncertain Significance.

Ambry Genetics
Classification: Uncertain significance for Cardiovascular phenotype. Last evaluated: 2013-04-25. Review status: criteria provided, single submitter. Criteria: Ambry Autosomal Dominant and X-Linked criteria (10/2015). Collection method: clinical testing. Allele origin: germline. Observed: 1 variant allele.
Comment: There is insufficient or conflicting evidence for classification of this alteration.

NM_003803.4(MYOM1):c.4967C>T (p.Thr1656Ile)

Gene: MYOM1 (myomesin 1; minus strand). Cytogenetic location: 18p11.31.
Variant type: single nucleotide variant.
Coding change: c.4967C>T on transcript NM_003803.4 (MANE Select); coding-DNA position 4967, C replaced by T.
Protein change: p.Thr1656Ile; replaces threonine 1656 with isoleucine.
Molecular consequence: missense variant.
Genome position (GRCh38, 1-based): chr18:3,067,353, G>A on the plus strand (C>T on the coding strand, the complement: MYOM1 is on the minus strand). VCF-style: chr18-3067353-G-A. GRCh37 (hg19) VCF-style: chr18-3067351-G-A.
Other names: c.4679C>T, p.Thr1560Ile (NM_019856.2); short protein forms T1656I, T1560I.
Identifiers: ClinVar variation 520254 (VCV000520254.8), dbSNP rs749267113, ClinGen allele CA8873708.